The following is an entry in ClinVar:

ClinVar aggregate classification (germline): Uncertain significance (1 of 4 stars; one submission).

Conditions:
Alpha thalassemia-X-linked intellectual disability syndrome (ATRX). Also called: ATR-X syndrome; Alpha thalassemia mental retardation syndrome, nondeletion type, X-linked; XLMR hypotonic face syndrome; X-linked alpha-thalassemia-mental retardation syndrome; ALPHA-THALASSEMIA/IMPAIRED INTELLECTUAL DEVELOPMENT SYNDROME, X-LINKED; ALPHA-THALASSEMIA/MENTAL RETARDATION SYNDROME, X-LINKED. Identifiers: Orphanet 847, MedGen C1845055, MONDO:0010519, OMIM 301040.

Submission:

Labcorp Genetics (formerly Invitae), Labcorp
Classification: Uncertain significance for Alpha thalassemia-X-linked intellectual disability syndrome. Last evaluated: 2025-01-06. Review status: criteria provided, single submitter. Criteria: Invitae Variant Classification Sherloc (09022015). Collection method: clinical testing. Allele origin: germline.
Comment: This sequence change replaces arginine, which is basic and polar, with cysteine, which is neutral and slightly polar, at codon 1803 of the ATRX protein (p.Arg1803Cys). This variant is not present in population databases (gnomAD no frequency). This variant has not been reported in the literature in individuals affected with ATRX-related conditions. ClinVar contains an entry for this variant (Variation ID: 1352665). Invitae Evidence Modeling of protein sequence and biophysical properties (such as structural, functional, and spatial information, amino acid conservation, physicochemical variation, residue mobility, and thermodynamic stability) indicates that this missense variant is expected to disrupt ATRX protein function with a positive predictive value of 95%. In summary, the available evidence is currently insufficient to determine the role of this variant in disease. Therefore, it has been classified as a Variant of Uncertain Significance.

NM_000489.6(ATRX):c.5407C>T (p.Arg1803Cys)

Gene: ATRX (ATRX chromatin remodeler; minus strand). Cytogenetic location: Xq21.1.
Variant type: single nucleotide variant.
Coding change: c.5407C>T on transcript NM_000489.6 (MANE Select); coding-DNA position 5407, C replaced by T.
Protein change: p.Arg1803Cys; replaces arginine 1803 with cysteine.
Molecular consequence: missense variant.
Genome position (GRCh38, 1-based): chrX:77,618,847, G>A on the plus strand (C>T on the coding strand, the complement: ATRX is on the minus strand). VCF-style: chrX-77618847-G-A. GRCh37 (hg19) VCF-style: chrX-76874315-G-A.
Other names: c.5293C>T, p.Arg1765Cys (NM_138270.5); short protein forms R1765C, R1803C.
Identifiers: ClinVar variation 1352665 (VCV001352665.8), dbSNP rs2148258208, ClinGen allele CA413700685.
Genomic context (GRCh38, chrX:77,618,847, plus strand): 5'-CTATGGAACATATTTGTACCTGAACACATCCAGCTAACATCTCATAGAGAATGTGAGCAC[G>A]TTTTTTCATCACTCTGACATCTACCATGGTAGAATCTGCACACTGACCATTTTGAATTGG-3'
Protein context (NP_000480.3, residues 1793-1813): TMVDVRVMKK[Arg1803Cys]AHILYEMLAG